The following is an entry in ClinVar:

NM_005560.6(LAMA5):c.979A>G (p.Asn327Asp)

Gene: LAMA5 (laminin subunit alpha 5; minus strand). Cytogenetic location: 20q13.33.
Variant type: single nucleotide variant.
Coding change: c.979A>G on transcript NM_005560.6 (MANE Select); coding-DNA position 979, A replaced by G.
Protein change: p.Asn327Asp; replaces asparagine 327 with aspartic acid.
Molecular consequence: missense variant.
Genome position (GRCh38, 1-based): chr20:62,347,006, T>C on the plus strand (A>G on the coding strand, the complement: LAMA5 is on the minus strand). VCF-style: chr20-62347006-T-C. GRCh37 (hg19) VCF-style: chr20-60922062-T-C.
Other names: short protein forms N327D.
Identifiers: ClinVar variation 4985465 (VCV004985465.1).

ClinVar aggregate classification (germline): Uncertain significance (1 of 4 stars; one submission).

Conditions:
LAMA5-related disorder. Also called: LAMA5-related condition; LAMA5-Related Disorders.

Submission:

PreventionGenetics, part of Exact Sciences
Classification: Uncertain significance for LAMA5-related condition. Last evaluated: 2025-12-23. Review status: criteria provided, single submitter. Criteria: ACMG Guidelines, 2015. Collection method: clinical testing. Allele origin: germline.
Comment: The LAMA5 c.979A>G variant is predicted to result in the amino acid substitution p.Asn327Asp. To our knowledge, this variant has not been reported in the literature or in a large population database (gnomAD), indicating this variant is rare. At this time, the clinical significance of this variant is uncertain due to the absence of conclusive functional and genetic evidence.